The following is an entry in ClinVar:

ClinVar aggregate classification (germline): Uncertain significance (1 of 4 stars; one submission).

Conditions:
GATA binding protein 1 related thrombocytopenia with dyserythropoiesis. Also called: GATA1-Related Cytopenia; GATA1-Related X-Linked Cytopenia. Identifiers: MedGen C1845837, MONDO:0100089.
Diamond-Blackfan anemia. Also called: Blackfan Diamond syndrome; Aregenerative anemia chronic congenital; Red cell aplasia, pure hereditary; Congenital hypoplastic anemia; Aase syndrome. Identifiers: Orphanet 124, MedGen C1260899, MeSH D029503, MONDO:0015253, HP:0004810.

Submission:

Labcorp Genetics (formerly Invitae), Labcorp
Classification: Uncertain significance for GATA binding protein 1 related thrombocytopenia with dyserythropoiesis; Diamond-Blackfan anemia. Last evaluated: 2022-03-15. Review status: criteria provided, single submitter. Criteria: Invitae Variant Classification Sherloc (09022015). Collection method: clinical testing. Allele origin: germline.
Comment: A copy number gain of the genomic region encompassing the full coding sequence of the GATA1 gene has been identified. The boundaries of this event are unknown as they extend beyond the assayed region for this gene and therefore may encompass additional genes. As the precise location of this event is unknown, it may be in tandem or it may be located elsewhere in the genome. This variant has not been reported in the literature in individuals affected with GATA1-related conditions. Experimental studies and prediction algorithms are not available or were not evaluated, and the functional significance of this variant is currently unknown. In summary, the available evidence is currently insufficient to determine the role of this variant in disease. Therefore, it has been classified as a Variant of Uncertain Significance.

NC_000023.10:g.(?_48649517)_(48652571_?)dup

Gene: GATA1 (GATA binding protein 1; plus strand). Cytogenetic location: Xp11.23.
Variant type: Duplication.
Identifiers: ClinVar variation 2424347 (VCV002424347.9).